The following is an entry in ClinVar:

NM_002878.4(RAD51D):c.263+1621G>C

Genes: RAD51D (RAD51 paralog D; minus strand), RAD51L3-RFFL (RAD51L3-RFFL readthrough; minus strand). Cytogenetic location: 17q12.
Variant type: single nucleotide variant.
Coding change: c.263+1621G>C on transcript NM_002878.4 (MANE Select); 1621 bases into the intron after coding-DNA position 263, G replaced by C.
Molecular consequence: intron variant. On other transcripts: missense variant (1).
Genome position (GRCh38, 1-based): chr17:35,116,880, C>G on the plus strand (G>C on the coding strand, the complement: RAD51D is on the minus strand). VCF-style: chr17-35116880-C-G. GRCh37 (hg19) VCF-style: chr17-33443899-C-G.
Other names: c.302G>C, p.Gly101Ala (NM_001142571.2); c.144+2231G>C (NM_133629.3); c.302G>C (NM_001142571.1); short protein forms G101A.
Identifiers: ClinVar variation 492419 (VCV000492419.4), dbSNP rs1310166106, ClinGen allele CA399090822.
Genomic context (GRCh38, chr17:35,116,880, plus strand): 5'-GCTCATTGGTGGTTGTGACGAATAAATGAAATAATGTACCGTGAAGTGCTGACCGCAGTG[C>G]CTCGTTCATCGAAAGCATTCAGCGAAAGTCCATCTGTTCCTCCATGCCCAAGTCCTGCCT-3'

ClinVar aggregate classification (germline): Conflicting classifications of pathogenicity. Review status: criteria provided, conflicting classifications (1 of 4 stars). 2 submissions from 2 submitters: Uncertain significance (1); Likely benign (1). Last evaluated 2026-07-01.

Conditions:
Hereditary cancer-predisposing syndrome. Also called: Hereditary Cancer Syndrome; Tumor predisposition; Hereditary neoplastic syndrome; Neoplastic Syndromes, Hereditary. Identifiers: Orphanet 140162, MedGen C0027672, MeSH D009386, MONDO:0015356.

Allele frequency attached by ClinVar (database versions not stated): gnomAD exomes below 0.00001 and 0.00001.
gnomAD v4.1: 3 of 1,571,420 alleles (0.00019%); highest among the groups gnomAD compares: East Asian, 0.0024%; no homozygotes.

Submissions (2):

Ambry Genetics
Classification: Uncertain significance for Hereditary cancer-predisposing syndrome. Last evaluated: 2026-07-01. Review status: criteria provided, single submitter. Criteria: Ambry Variant Classification Scheme 2023. Collection method: clinical testing. Allele origin: germline.
Comment: The p.G101A variant (also known as c.302G>C), located in coding exon 3 of the RAD51D gene, results from a G to C substitution at nucleotide position 302. The glycine at codon 101 is replaced by alanine, an amino acid with similar properties. This amino acid position is conserved. In addition, this alteration is predicted to be tolerated by in silico analysis. Based on the available evidence, the clinical significance of this variant remains unclear.

Color Diagnostics, LLC DBA Color Health
Classification: Likely benign for Hereditary cancer-predisposing syndrome. Last evaluated: 2015-07-21. Review status: criteria provided, single submitter. Criteria: ACMG Guidelines, 2015. Collection method: clinical testing. Allele origin: germline.